The following is an entry in ClinVar:

NM_032634.4(PIGO):c.154T>C (p.Trp52Arg)

Gene: PIGO (phosphatidylinositol glycan anchor biosynthesis class O; minus strand). Cytogenetic location: 9p13.3.
Variant type: single nucleotide variant.
Coding change: c.154T>C on transcript NM_032634.4 (MANE Select); coding-DNA position 154, T replaced by C.
Protein change: p.Trp52Arg; replaces tryptophan 52 with arginine.
Molecular consequence: missense variant.
Genome position (GRCh38, 1-based): chr9:35,095,412, A>G on the plus strand (T>C on the coding strand, the complement: PIGO is on the minus strand). VCF-style: chr9-35095412-A-G. GRCh37 (hg19) VCF-style: chr9-35095409-A-G.
Other names: c.154T>C, p.Trp52Arg (NM_001201484.2, NM_152850.4); short protein forms W52R.
Identifiers: ClinVar variation 957531 (VCV000957531.9), dbSNP rs1829626477, ClinGen allele CA373324881.
Genomic context (GRCh38, chr9:35,095,412, plus strand): 5'-ACACAACCCGCGAAAATCGGGAAGCCATCCAGCAGGCCCCAGGTTTCCCTTGGCTCCCCC[A>G]TGGCAGGGACCCAGGGCCTGGGGGCTCTTGGCAGCTGCTATGGTTGGTGAGCTCCAAACG-3'
Protein context (NP_116023.2, residues 42-62): QEPPGPGSLP[Trp52Arg]GSQGKPGACW

ClinVar aggregate classification (germline): Uncertain significance (1 of 4 stars; one submission).

Conditions:
Hyperphosphatasia with impaired intellectual development syndrome 2. Also called: Hyperphosphatasia with intellectual disability syndrome 2; GLYCOSYLPHOSPHATIDYLINOSITOL BIOSYNTHESIS DEFECT 6. Identifiers: Orphanet 247262, MedGen C3553637, MONDO:0013882, OMIM 614749.

Submission:

Labcorp Genetics (formerly Invitae), Labcorp
Classification: Uncertain significance for Hyperphosphatasia with impaired intellectual development syndrome 2. Last evaluated: 2021-08-06. Review status: criteria provided, single submitter. Criteria: Invitae Variant Classification Sherloc (09022015). Collection method: clinical testing. Allele origin: germline.
Comment: In summary, the available evidence is currently insufficient to determine the role of this variant in disease. Therefore, it has been classified as a Variant of Uncertain Significance. Algorithms developed to predict the effect of missense changes on protein structure and function output the following: SIFT: "Tolerated"; PolyPhen-2: "Benign"; Align-GVGD: "Class C0". The arginine amino acid residue is found in multiple mammalian species, suggesting that this missense change does not adversely affect protein function. These predictions have not been confirmed by published functional studies and their clinical significance is uncertain. This variant has not been reported in the literature in individuals with PIGO-related conditions. This variant is not present in population databases (ExAC no frequency). This sequence change replaces tryptophan with arginine at codon 52 of the PIGO protein (p.Trp52Arg). The tryptophan residue is moderately conserved and there is a moderate physicochemical difference between tryptophan and arginine.